The following is an entry in ClinVar:

ClinVar aggregate classification (germline): Pathogenic (1 of 4 stars; one submission).

Conditions:
Tuberous sclerosis 2 (TSC2). Identifiers: Orphanet 805, MedGen C1860707, MONDO:0013199, OMIM 613254.

Submission:

Labcorp Genetics (formerly Invitae), Labcorp
Classification: Pathogenic for Tuberous sclerosis 2. Last evaluated: 2024-04-02. Review status: criteria provided, single submitter. Criteria: Invitae Variant Classification Sherloc (09022015). Collection method: clinical testing. Allele origin: germline.
Comment: This sequence change creates a premature translational stop signal (p.His522Thrfs*12) in the TSC2 gene. It is expected to result in an absent or disrupted protein product. Loss-of-function variants in TSC2 are known to be pathogenic (PMID: 10205261, 17304050). This variant is not present in population databases (gnomAD no frequency). This variant has not been reported in the literature in individuals affected with TSC2-related conditions. For these reasons, this variant has been classified as Pathogenic.

Literature cited by the submitters: PubMed 10205261; PubMed 17304050.

NM_000548.5(TSC2):c.1563_1566del (p.His522fs)

Gene: TSC2 (TSC complex subunit 2; plus strand). Cytogenetic location: 16p13.3.
Variant type: Microsatellite.
Coding change: c.1563_1566del on transcript NM_000548.5 (MANE Select); coding-DNA positions 1563 to 1566, 4 bases deleted (ACAC; older notation c.1563_1566delACAC).
Protein change: p.His522fs; shifts the reading frame from histidine 522.
Molecular consequence: frameshift variant. On other transcripts: non-coding transcript variant (5), 5 prime UTR variant (1).
Genome position (GRCh38, 1-based): chr16:2,064,391-2,064,394, ACAC deleted; deleting any 4 consecutive bases within chr16:2,064,386-2,064,394 gives the same sequence; the c. name uses the placement nearest the transcript's 3' end. VCF-style (leftmost placement, unchanged base first): chr16-2064385-CCACA-C. GRCh37 (hg19) VCF-style: chr16-2114386-CCACA-C.
Other names: c.1563_1566del, p.His522fs (NM_001077183.3, NM_001114382.3, NM_001363528.2 and 6 more transcripts); c.1452_1455del, p.His485fs (NM_001318827.2, NM_001406670.1, NM_001406678.1); c.1416_1419del, p.His473fs (NM_001318829.2, NM_001406675.1, NM_001406676.1 and 1 more transcripts); c.963_966del, p.His322fs (NM_001318831.2, NM_001406680.1, NM_001406682.1 and 6 more transcripts); c.1596_1599del, p.His533fs (NM_001318832.2); c.1653_1656del, p.His552fs (NM_001406667.1, NM_001406668.1); c.1551_1554del, p.His518fs (NM_001406671.1, NM_001406673.1); c.1506_1509del, p.His503fs (NM_001406677.1); and 3 more; short protein forms H485fs, H503fs, H322fs, H368fs, H473fs, H518fs, H522fs, H533fs.
Identifiers: ClinVar variation 2770216 (VCV002770216.3), dbSNP rs1555502530, ClinGen allele CA2697549638.
Genomic context (GRCh38, chr16:2,064,385, plus strand): 5'-TAAAGACCACCAGGTCCGAAAGCTGGCCACCCAGTTGCTGGTGGACCTGGCAGAGGGCTG[CCACA>C]CACACCACTTCAACAGCCTGCTGGACATCATCGAGAAGGTGAGAGCCGTTGTACCCGGGG-3'